The following is an entry in ClinVar:

ClinVar aggregate classification (germline): Likely pathogenic. Review status: criteria provided, multiple submitters, no conflicts (2 of 4 stars). 2 submissions from 2 submitters: Likely pathogenic (2). Last evaluated 2023-09-15.

Conditions:
COL2A1-related disorder. Also called: COL2A1-related condition; COL2A1-related disorders.
Achondrogenesis type II (ACG2). Also called: ACHONDROGENESIS, LANGER-SALDINO TYPE; CHONDROGENESIS IMPERFECTA. Identifiers: Orphanet 932, Orphanet 93296, MedGen C0220685, MONDO:0008702, OMIM 200610.
Spondyloperipheral dysplasia. Also called: SPONDYLOPERIPHERAL DYSPLASIA WITH SHORT ULNA; Spondyloperipheral dysplasia-short ulna syndrome. Identifiers: Orphanet 1856, MedGen C0796173, MONDO:0010078, OMIM 271700.
Stickler syndrome type 1 (STL1). Also called: COL2A1-Related Stickler Syndrome; ARTHROOPHTHALMOPATHY, HEREDITARY PROGRESSIVE; STICKLER SYNDROME, MEMBRANOUS VITREOUS TYPE; STICKLER SYNDROME, VITREOUS TYPE 1. Identifiers: Orphanet 828, Orphanet 90653, MedGen C2020284, MONDO:0007160, OMIM 108300.
Platyspondylic dysplasia, Torrance type (PLSDT). Identifiers: Orphanet 85166, MedGen C1835437, MONDO:0007895, OMIM 151210.
Spondyloepiphyseal dysplasia congenita (SEDC). Also called: SED CONGENITA; SPONDYLOEPIPHYSEAL DYSPLASIA, CONGENITAL TYPE. Identifiers: Orphanet 94068, MedGen C2745959, MONDO:0008471, OMIM 183900.
Spondyloepimetaphyseal dysplasia, Strudwick type (SEMDSTWK). Also called: DAPPLED METAPHYSIS SYNDROME; STRUDWICK SYNDROME. Identifiers: Orphanet 93346, MedGen C0700635, MONDO:0008476, OMIM 184250.
Avascular necrosis of femoral head, primary, 1 (ANFH1). Also called: Avascular necrosis of femoral head, primary. Identifiers: Orphanet 86820, MedGen C4551562, MONDO:0054550, OMIM 608805.
Stickler syndrome, type I, nonsyndromic ocular. Also called: STICKLER SYNDROME, ATYPICAL; STICKLER SYNDROME, TYPE I, PREDOMINANTLY OCULAR. Identifiers: MedGen C1836080, MONDO:0012287, OMIM 609508.
Legg-Calve-Perthes disease. Also called: Osteochondritis deformans; Coxa plana; PERTHES DISEASE; Avascular necrosis of the capital femoral epiphysis. Identifiers: Orphanet 2380, MedGen C1442965, MONDO:0007885, OMIM 150600, HP:0005743.
Kniest dysplasia. Identifiers: Orphanet 485, MedGen C0265279, MONDO:0007987, OMIM 156550.
Multiple epiphyseal dysplasia, Beighton type. Identifiers: Orphanet 166011, MedGen C1851536, MONDO:0007562, OMIM 132450.
Namaqualand hip dysplasia (OSCDP). Also called: Mild spondyloepiphyseal dysplasia due to COL2A1 mutation with early-onset osteoarthritis. Identifiers: Orphanet 93279, MedGen C0432214, MONDO:0011496, OMIM 604864.
Spondyloepiphyseal dysplasia with metatarsal shortening. Also called: CZECH DYSPLASIA, METATARSAL TYPE; SPONDYLOEPIPHYSEAL DYSPLASIA WITH PRECOCIOUS OSTEOARTHRITIS; Pseudorheumatoid dysplasia progressive, with hypoplastic toes. Identifiers: Orphanet 137678, MedGen C1836683, MONDO:0012206, OMIM 609162.
Vitreoretinopathy with phalangeal epiphyseal dysplasia (VPED). Identifiers: MedGen C1852989, MONDO:0031001, OMIM 619248.
Spondyloepiphyseal dysplasia, Stanescu type. Also called: SED, STANESCU TYPE; SPONDYLOEPIMETAPHYSEAL DYSPLASIA, STANESCU TYPE. Identifiers: Orphanet 459051, MedGen C4225273, MONDO:0014701, OMIM 616583.

Submissions (2):

Blueprint Genetics
Classification: Likely pathogenic for COL2A1-related disorders. Last evaluated: 2023-09-15. Review status: criteria provided, single submitter. Criteria: ACMG Guidelines, 2015. Collection method: clinical testing. Allele origin: germline. Affected: yes. Observed: 1 variant allele.

Juno Genomics, Hangzhou Juno Genomics, Inc
Classification: Likely pathogenic for Multiple epiphyseal dysplasia, Beighton type; Vitreoretinopathy with phalangeal epiphyseal dysplasia; Achondrogenesis type II; Avascular necrosis of femoral head, primary, 1; Spondyloepiphyseal dysplasia with metatarsal shortening; Kniest dysplasia; Legg-Calve-Perthes disease; Namaqualand hip dysplasia; Platyspondylic dysplasia, Torrance type; Spondyloepiphyseal dysplasia congenita; Spondyloepimetaphyseal dysplasia, Strudwick type; Spondyloepiphyseal dysplasia, Stanescu type; Spondyloperipheral dysplasia; Stickler syndrome type 1; Stickler syndrome, type I, nonsyndromic ocular. Review status: criteria provided, single submitter. Criteria: ACMG Guidelines, 2015. Collection method: clinical testing. Allele origin: germline. Affected: yes.
Comment: Absent from controls (or at extremely low frequency if recessive) in Genome Aggregation Database, Exome Sequencing Project, 1000 Genomes Project, or Exome Aggregation Consortium.;Missense variant in a gene that has a low rate of benign missense variation and where missense variants are a common mechanism of disease.;Multiple lines of computational evidence support a deleterious effect on the gene or gene product (conservation, evolutionary, splicing impact, etc).

NM_001844.5(COL2A1):c.2771G>A (p.Gly924Glu)

Gene: COL2A1 (collagen type II alpha 1 chain; minus strand). Cytogenetic location: 12q13.11.
Variant type: single nucleotide variant.
Coding change: c.2771G>A on transcript NM_001844.5 (MANE Select); coding-DNA position 2771, G replaced by A.
Protein change: p.Gly924Glu; replaces glycine 924 with glutamic acid.
Molecular consequence: missense variant.
Genome position (GRCh38, 1-based): chr12:47,978,721, C>T on the plus strand (G>A on the coding strand, the complement: COL2A1 is on the minus strand). VCF-style: chr12-47978721-C-T. GRCh37 (hg19) VCF-style: chr12-48372504-C-T.
Other names: c.2564G>A, p.Gly855Glu (NM_033150.3); short protein forms G855E, G924E.
Identifiers: ClinVar variation 3382056 (VCV003382056.3).
Genomic context (GRCh38, chr12:47,978,721, plus strand): 5'-GGTTCACCAGCTCGGCCAGGGGGGCCGCTGTCTCCTCGAGCACCTTTGGGACCATCTTTT[C>T]CAGAAGGACCAGGGGGACCAGGGGGTCCAGGGTTGCCCTAGAAGGAGAAAATGCGGGAAG-3'
Protein context (NP_001835.3, residues 914-934): PGPPGPPGPS[Gly924Glu]KDGPKGARGD